The following is an entry in ClinVar:

NM_001377229.1(DISP1):c.3371C>T (p.Thr1124Ile)

Gene: DISP1 (dispatched RND transporter family member 1; plus strand). Cytogenetic location: 1q41.
Variant type: single nucleotide variant.
Coding change: c.3371C>T on transcript NM_001377229.1 (MANE Select); coding-DNA position 3371, C replaced by T.
Protein change: p.Thr1124Ile; replaces threonine 1124 with isoleucine.
Molecular consequence: missense variant.
Genome position (GRCh38, 1-based): chr1:223,004,768, C>T. VCF-style: chr1-223004768-C-T. GRCh37 (hg19) VCF-style: chr1-223178110-C-T.
Other names: c.2642C>T, p.Thr881Ile (NM_001350630.2); c.3371C>T, p.Thr1124Ile (NM_001369594.1, NM_001377228.1, NM_032890.5); short protein forms T881I, T1124I.
Identifiers: ClinVar variation 2020272 (VCV002020272.4), dbSNP rs1679769059, ClinGen allele CA344688334.

ClinVar aggregate classification (germline): Uncertain significance (1 of 4 stars; one submission).

Allele frequency attached by ClinVar (database versions not stated): gnomAD 0.00001.
gnomAD v4.1: 1 of 1,613,328 alleles (0.000062%); highest among the groups gnomAD compares: African/African-American, 0.0013%; no homozygotes.

Submission:

Labcorp Genetics (formerly Invitae), Labcorp
Classification: Uncertain significance. Last evaluated: 2024-10-24. Review status: criteria provided, single submitter. Criteria: Invitae Variant Classification Sherloc (09022015). Collection method: clinical testing. Allele origin: germline.
Comment: This sequence change replaces threonine, which is neutral and polar, with isoleucine, which is neutral and non-polar, at codon 1124 of the DISP1 protein (p.Thr1124Ile). This variant is not present in population databases (gnomAD no frequency). This variant has not been reported in the literature in individuals affected with DISP1-related conditions. ClinVar contains an entry for this variant (Variation ID: 2020272). An algorithm developed to predict the effect of missense changes on protein structure and function (PolyPhen-2) suggests that this variant is likely to be disruptive. In summary, the available evidence is currently insufficient to determine the role of this variant in disease. Therefore, it has been classified as a Variant of Uncertain Significance.